The following is an entry in ClinVar:

NM_001377458.1(CLCC1):c.1564G>A (p.Ala522Thr)

Gene: CLCC1 (chloride channel CLIC like 1; minus strand). Cytogenetic location: 1p13.3.
Variant type: single nucleotide variant.
Coding change: c.1564G>A on transcript NM_001377458.1 (MANE Select); coding-DNA position 1564, G replaced by A.
Protein change: p.Ala522Thr; replaces alanine 522 with threonine.
Molecular consequence: missense variant. On other transcripts: non-coding transcript variant (1).
Genome position (GRCh38, 1-based): chr1:108,934,762, C>T on the plus strand (G>A on the coding strand, the complement: CLCC1 is on the minus strand). VCF-style: chr1-108934762-C-T. GRCh37 (hg19) VCF-style: chr1-109477384-C-T.
Other names: c.1564G>A, p.Ala522Thr (NM_001048210.3, NM_001377459.1, NM_001377460.1 and 8 more transcripts); c.1201G>A, p.Ala401Thr (NM_001278202.2); c.1009G>A, p.Ala337Thr (NM_001278203.1); c.1462G>A, p.Ala488Thr (NM_001377469.1); c.1273G>A, p.Ala425Thr (NM_001377470.1); c.1414G>A, p.Ala472Thr (NM_015127.5); c.1564G>A (NM_001048210.1); short protein forms A337T, A401T, A425T, A472T, A488T, A522T.
Identifiers: ClinVar variation 1004982 (VCV001004982.8), dbSNP rs139389429, ClinGen allele CA983296.

ClinVar aggregate classification (germline): Uncertain significance. Review status: criteria provided, multiple submitters, no conflicts (2 of 4 stars). 2 submissions from 2 submitters: Uncertain significance (2). Last evaluated 2025-03-03.

Allele frequency attached by ClinVar (database versions not stated): gnomAD exomes 0.00001; gnomAD 0.00015 and 0.00016; TOPMed 0.00016; ESP Exome Variant Server 0.00031.
gnomAD v4.1: 67 of 1,614,090 alleles (0.0042%); highest among the groups gnomAD compares: African/African-American, 0.049%; no homozygotes.

Submissions (2):

Labcorp Genetics (formerly Invitae), Labcorp
Classification: Uncertain significance. Last evaluated: 2025-03-03. Review status: criteria provided, single submitter. Criteria: Invitae Variant Classification Sherloc (09022015). Collection method: clinical testing. Allele origin: germline.
Comment: This sequence change replaces alanine, which is neutral and non-polar, with threonine, which is neutral and polar, at codon 522 of the CLCC1 protein (p.Ala522Thr). This variant is present in population databases (rs139389429, gnomAD 0.04%). This variant has not been reported in the literature in individuals affected with CLCC1-related conditions. ClinVar contains an entry for this variant (Variation ID: 1004982). An algorithm developed to predict the effect of missense changes on protein structure and function outputs the following: PolyPhen-2: "Benign". The threonine amino acid residue is found in multiple mammalian species, which suggests that this missense change does not adversely affect protein function. In summary, the available evidence is currently insufficient to determine the role of this variant in disease. Therefore, it has been classified as a Variant of Uncertain Significance.

Ambry Genetics
Classification: Uncertain significance. Last evaluated: 2022-01-26. Review status: criteria provided, single submitter. Criteria: Ambry Variant Classification Scheme 2023. Collection method: clinical testing. Allele origin: germline.